The following is an entry in ClinVar:

ClinVar aggregate classification (germline): Uncertain significance (1 of 4 stars; one submission).

Submission:

GeneDx
Classification: Uncertain significance. Last evaluated: 2019-05-03. Review status: criteria provided, single submitter. Criteria: GeneDx Variant Classification Process June 2021. Collection method: clinical testing. Allele origin: germline. Affected: yes.
Comment: In silico analysis, which includes protein predictors and evolutionary conservation, supports that this variant does not alter protein structure/function; Has not been previously published as pathogenic or benign to our knowledge

NM_024809.5(TCTN2):c.1556C>G (p.Ala519Gly)

Gene: TCTN2 (tectonic family member 2; plus strand). Cytogenetic location: 12q24.31.
Variant type: single nucleotide variant.
Coding change: c.1556C>G on transcript NM_024809.5 (MANE Select); coding-DNA position 1556, C replaced by G.
Protein change: p.Ala519Gly; replaces alanine 519 with glycine.
Molecular consequence: missense variant.
Genome position (GRCh38, 1-based): chr12:123,699,754, C>G. VCF-style: chr12-123699754-C-G. GRCh37 (hg19) VCF-style: chr12-124184301-C-G.
Other names: c.1553C>G, p.Ala518Gly (NM_001143850.3); short protein forms A518G, A519G.
Identifiers: ClinVar variation 1302529 (VCV001302529.2), dbSNP rs1221017555, ClinGen allele CA387146277.